The following is an entry in ClinVar:

NM_057175.5(NAA15):c.2140C>T (p.Arg714Cys)

Gene: NAA15 (N-alpha-acetyltransferase 15, NatA auxiliary subunit; plus strand). Cytogenetic location: 4q31.1.
Variant type: single nucleotide variant.
Coding change: c.2140C>T on transcript NM_057175.5 (MANE Select); coding-DNA position 2140, C replaced by T.
Protein change: p.Arg714Cys; replaces arginine 714 with cysteine.
Molecular consequence: missense variant.
Genome position (GRCh38, 1-based): chr4:139,378,839, C>T. VCF-style: chr4-139378839-C-T. GRCh37 (hg19) VCF-style: chr4-140299993-C-T.
Other names: c.2140C>T, p.Arg714Cys (NM_001410842.1); short protein forms R714C.
Identifiers: ClinVar variation 4886658 (VCV004886658.3).

ClinVar aggregate classification (germline): Uncertain significance. Review status: criteria provided, multiple submitters, no conflicts (2 of 4 stars). 2 submissions from 2 submitters: Uncertain significance (2). Last evaluated 2026-02-17.

gnomAD v4.1: 2 of 1,552,504 alleles (0.00013%); highest among the groups gnomAD compares: East Asian, 0.0024%; no homozygotes.

Submissions (2):

Dasa
Classification: Uncertain significance. Last evaluated: 2026-02-17. Review status: criteria provided, single submitter. Criteria: DASA Assertion Criteria. Collection method: clinical testing. Allele origin: germline.
Comment: NM_057175.5(NAA15):c.2140C>T (p.Arg714Cys) is a missense variant that results in the substitution of arginine with cysteine. This variant is rare in population databases. Computational prediction algorithms are consistent with a deleterious effect. The currently available literature and clinical evidence are not sufficient to establish a definitive association between this variant and the reported condition. Therefore, this variant is classified as a variant of uncertain significance.

Blueprint Genetics
Classification: Uncertain significance. Last evaluated: 2020-07-06. Review status: criteria provided, single submitter. Criteria: ACMG Guidelines, 2015. Collection method: clinical testing. Allele origin: germline.